The following is an entry in ClinVar:

ClinVar aggregate classification (germline): Uncertain significance. Review status: criteria provided, multiple submitters, no conflicts (2 of 4 stars). 3 submissions from 3 submitters: Uncertain significance (3). Last evaluated 2022-06-24.

Conditions:
Alpha thalassemia-X-linked intellectual disability syndrome (ATRX). Also called: ATR-X syndrome; Alpha thalassemia mental retardation syndrome, nondeletion type, X-linked; XLMR hypotonic face syndrome; ALPHA-THALASSEMIA/IMPAIRED INTELLECTUAL DEVELOPMENT SYNDROME, X-LINKED; ALPHA-THALASSEMIA/MENTAL RETARDATION SYNDROME, X-LINKED; ATR, NONDELETION TYPE. Identifiers: Orphanet 847, MedGen C1845055, MONDO:0010519, OMIM 301040.

Allele frequency attached by ClinVar (database versions not stated): gnomAD exomes below 0.00001 and 0.00001; TOPMed 0.00001.
gnomAD v4.1: 2 of 1,187,399 alleles (0.00017%); highest among the groups gnomAD compares: Non-Finnish European, 0.00023%; no homozygotes.

Submissions (3):

Victorian Clinical Genetics Services, Murdoch Childrens Research Institute
Classification: Uncertain significance for Alpha thalassemia-X-linked intellectual disability syndrome. Last evaluated: 2022-06-24. Review status: criteria provided, single submitter. Criteria: ACMG Guidelines, 2015. Collection method: clinical testing. Allele origin: germline. Inheritance: X-linked dominant inheritance. Affected: yes.
Comment: Based on the classification scheme VCGS_Germline_v1.3.4, this variant is classified as VUS-3A. Following criteria are met: 0102 - Loss of function is a known mechanism of disease in this gene and is associated with ATRX-related conditions (I) 0108 - This gene is associated with both X-linked recessive and dominant disease. Carrier females may be asymptomatic, or affected with alpha-thalassemia syndrome (OMIM). (I) 0115 - Variants in this gene are known to have variable expressivity. Variable severity and phenotypes have been observed among individuals with the same variant (PMID: 24805811, 23820649). (I) 0200 - Variant is predicted to result in a missense amino acid change from glycine to arginine. (I) 0253 - This variant is hemizygous. (I) 0304 - Variant is present in gnomAD (v2) <0.01 for a recessive condition (0 heterozygotes, 0 homozygotes, 1 hemizygote). (SP) 0501 - Missense variant consistently predicted to be damaging by multiple in silico tools or highly conserved with a major amino acid change. (SP) 0603 - Missense variant in a region that is highly intolerant to missense variation (high constraint region in DECIPHER). (SP) 0705 - No comparable missense variants have previous evidence for pathogenicity. (I) 0809 - Previous evidence of pathogenicity for this variant is inconclusive. This variant has been classified as a VUS by two clinical laboratories in ClinVar. (I) 0905 - No published segregation evidence has been identified for this variant. (I) 1007 - No published functional evidence has been identified for this variant. (I) Legend: (SP) - Supporting pathogenic, (I) - Information, (SB) - Supporting benign

Labcorp Genetics (formerly Invitae), Labcorp
Classification: Uncertain significance for Alpha thalassemia-X-linked intellectual disability syndrome. Last evaluated: 2021-08-28. Review status: criteria provided, single submitter. Criteria: Invitae Variant Classification Sherloc (09022015). Collection method: clinical testing. Allele origin: germline.
Comment: This sequence change replaces glycine with arginine at codon 2075 of the ATRX protein (p.Gly2075Arg). The glycine residue is highly conserved and there is a moderate physicochemical difference between glycine and arginine. This variant is not present in population databases (ExAC no frequency). This variant has not been reported in the literature in individuals affected with ATRX-related conditions. Algorithms developed to predict the effect of missense changes on protein structure and function are either unavailable or do not agree on the potential impact of this missense change (SIFT: "Deleterious"; PolyPhen-2: "Benign"; Align-GVGD: "Class C0"). In summary, the available evidence is currently insufficient to determine the role of this variant in disease. Therefore, it has been classified as a Variant of Uncertain Significance.

GeneDx
Classification: Uncertain significance. Last evaluated: 2019-01-24. Review status: criteria provided, single submitter. Criteria: GeneDx Variant Classification Process June 2021. Collection method: clinical testing. Allele origin: germline. Affected: yes.
Comment: Not observed at a significant frequency in large population cohorts (Lek et al., 2016); In silico analysis, which includes protein predictors and evolutionary conservation, supports a deleterious effect; Has not been previously published as pathogenic or benign to our knowledge

Literature cited by the submitters: PubMed 23820649 (cited by Victorian Clinical Genetics Services, Murdoch Childrens Research Institute); PubMed 24805811 (cited by Victorian Clinical Genetics Services, Murdoch Childrens Research Institute).

NM_000489.6(ATRX):c.6223G>A (p.Gly2075Arg)

Gene: ATRX (ATRX chromatin remodeler; minus strand). Cytogenetic location: Xq21.1.
Variant type: single nucleotide variant.
Coding change: c.6223G>A on transcript NM_000489.6 (MANE Select); coding-DNA position 6223, G replaced by A.
Protein change: p.Gly2075Arg; replaces glycine 2075 with arginine.
Molecular consequence: missense variant.
Genome position (GRCh38, 1-based): chrX:77,574,353, C>T on the plus strand (G>A on the coding strand, the complement: ATRX is on the minus strand). VCF-style: chrX-77574353-C-T. GRCh37 (hg19) VCF-style: chrX-76829818-C-T.
Other names: c.6109G>A, p.Gly2037Arg (NM_138270.5); c.6223G>A (NM_000489.5); short protein forms G2037R, G2075R.
Identifiers: ClinVar variation 842262 (VCV000842262.9), dbSNP rs1440854109, ClinGen allele CA413701292.